The following is an entry in ClinVar:

NM_001042681.2(RERE):c.3088C>T (p.Pro1030Ser)

Gene: RERE (arginine-glutamic acid dipeptide repeats; minus strand). Cytogenetic location: 1p36.23.
Variant type: single nucleotide variant.
Coding change: c.3088C>T on transcript NM_001042681.2 (MANE Select); coding-DNA position 3088, C replaced by T.
Protein change: p.Pro1030Ser; replaces proline 1030 with serine.
Molecular consequence: missense variant.
Genome position (GRCh38, 1-based): chr1:8,360,419, G>A on the plus strand (C>T on the coding strand, the complement: RERE is on the minus strand). VCF-style: chr1-8360419-G-A. GRCh37 (hg19) VCF-style: chr1-8420479-G-A.
Other names: c.1426C>T, p.Pro476Ser (NM_001042682.2); c.3088C>T, p.Pro1030Ser (NM_012102.4); short protein forms P476S, P1030S.
Identifiers: ClinVar variation 712884 (VCV000712884.13), dbSNP rs1467971154, ClinGen allele CA338171289.

ClinVar aggregate classification (germline): Benign/Likely benign. Review status: criteria provided, multiple submitters, no conflicts (2 of 4 stars). 3 submissions from 3 submitters: Benign (1); Likely benign (2). Last evaluated 2025-07-01.

Conditions:
Inborn genetic diseases. Identifiers: MedGen C0950123, MeSH D030342.

Allele frequency attached by ClinVar (database versions not stated): gnomAD 0.00005 and 0.00006; gnomAD exomes 0.00008 and 0.00013.
gnomAD v4.1: 134 of 1,095,982 alleles (0.012%); highest among the groups gnomAD compares: Non-Finnish European, 0.015%; no homozygotes.

Submissions (3):

CeGaT Center for Human Genetics Tuebingen
Classification: Likely benign. Last evaluated: 2025-07-01. Review status: criteria provided, single submitter. Criteria: CeGaT Center For Human Genetics Tuebingen Variant Classification Criteria Version 2. Collection method: clinical testing. Allele origin: germline. Affected: yes. Observed: 1 variant allele.
Comment: RERE: BP4

Ambry Genetics
Classification: Likely benign for Inborn genetic diseases. Last evaluated: 2022-08-12. Review status: criteria provided, single submitter. Criteria: Ambry Variant Classification Scheme 2023. Collection method: clinical testing. Allele origin: germline.

Labcorp Genetics (formerly Invitae), Labcorp
Classification: Benign. Last evaluated: 2017-09-19. Review status: criteria provided, single submitter. Criteria: Invitae Variant Classification Sherloc (09022015). Collection method: clinical testing. Allele origin: germline.